The following is an entry in ClinVar:

NM_017534.6(MYH2):c.5607G>C (p.Arg1869Ser)

Genes: MYH2 (myosin heavy chain 2; minus strand), MYHAS (myosin heavy chain gene cluster antisense RNA; plus strand). Cytogenetic location: 17p13.1.
Variant type: single nucleotide variant.
Coding change: c.5607G>C on transcript NM_017534.6 (MANE Select); coding-DNA position 5607, G replaced by C.
Protein change: p.Arg1869Ser; replaces arginine 1869 with serine.
Molecular consequence: missense variant.
Genome position (GRCh38, 1-based): chr17:10,523,156, C>G on the plus strand (G>C on the coding strand, the complement: MYH2 is on the minus strand). VCF-style: chr17-10523156-C-G. GRCh37 (hg19) VCF-style: chr17-10426473-C-G.
Other names: c.5607G>C, p.Arg1869Ser (NM_001100112.2); short protein forms R1869S.
Identifiers: ClinVar variation 1378340 (VCV001378340.8), dbSNP rs370387304, ClinGen allele CA287734604.

ClinVar aggregate classification (germline): Uncertain significance (1 of 4 stars; one submission).

Conditions:
Myopathy, proximal, and ophthalmoplegia (CMYO6). Also called: MYOPATHY WITH CONGENITAL JOINT CONTRACTURES, OPHTHALMOPLEGIA, AND RIMMED VACUOLES; CONGENITAL MYOPATHY 6 WITH OPHTHALMOPLEGIA; INCLUSION BODY MYOPATHY 3, AUTOSOMAL DOMINANT. Identifiers: Orphanet 363677, Orphanet 79091, MedGen C1854106, MONDO:0011577, OMIM 605637.

Allele frequency attached by ClinVar (database versions not stated): gnomAD exomes below 0.00001; gnomAD 0.00001; ESP Exome Variant Server 0.00008.
gnomAD v4.1: 15 of 1,613,818 alleles (0.00093%); highest among the groups gnomAD compares: African/African-American, 0.0053%; no homozygotes.

Submission:

Labcorp Genetics (formerly Invitae), Labcorp
Classification: Uncertain significance for Myopathy, proximal, and ophthalmoplegia. Last evaluated: 2024-04-05. Review status: criteria provided, single submitter. Criteria: Invitae Variant Classification Sherloc (09022015). Collection method: clinical testing. Allele origin: germline.
Comment: This sequence change replaces arginine, which is basic and polar, with serine, which is neutral and polar, at codon 1869 of the MYH2 protein (p.Arg1869Ser). This variant is present in population databases (rs370387304, gnomAD 0.007%). This missense change has been observed in individual(s) with clinical features of MYH2-related conditions (PMID: 31127727). ClinVar contains an entry for this variant (Variation ID: 1378340). Advanced modeling of protein sequence and biophysical properties (such as structural, functional, and spatial information, amino acid conservation, physicochemical variation, residue mobility, and thermodynamic stability) performed at Invitae indicates that this missense variant is not expected to disrupt MYH2 protein function with a negative predictive value of 80%. In summary, the available evidence is currently insufficient to determine the role of this variant in disease. Therefore, it has been classified as a Variant of Uncertain Significance.

Literature cited by the submitters: PubMed 31127727.